The following is an entry in ClinVar:

NM_004385.5(VCAN):c.1895C>A (p.Thr632Lys)

Gene: VCAN (versican; plus strand). Cytogenetic location: 5q14.3.
Variant type: single nucleotide variant.
Coding change: c.1895C>A on transcript NM_004385.5 (MANE Select); coding-DNA position 1895, C replaced by A.
Protein change: p.Thr632Lys; replaces threonine 632 with lysine.
Molecular consequence: missense variant. On other transcripts: intron variant (2).
Genome position (GRCh38, 1-based): chr5:83,520,201, C>A. VCF-style: chr5-83520201-C-A. GRCh37 (hg19) VCF-style: chr5-82816020-C-A.
Other names: c.1895C>A, p.Thr632Lys (NM_001164098.2); c.1042+7805C>A (NM_001164097.2, NM_001126336.3); short protein forms T632K.
Identifiers: ClinVar variation 1414906 (VCV001414906.8), dbSNP rs143729093, ClinGen allele CA360302102.

ClinVar aggregate classification (germline): Uncertain significance (1 of 4 stars; one submission).

gnomAD v4.1: 3 of 1,614,008 alleles (0.00019%); highest among the groups gnomAD compares: South Asian, 0.0033%; no homozygotes.

Submission:

Labcorp Genetics (formerly Invitae), Labcorp
Classification: Uncertain significance. Last evaluated: 2024-02-16. Review status: criteria provided, single submitter. Criteria: Invitae Variant Classification Sherloc (09022015). Collection method: clinical testing. Allele origin: germline.
Comment: This sequence change replaces threonine, which is neutral and polar, with lysine, which is basic and polar, at codon 632 of the VCAN protein (p.Thr632Lys). This variant is not present in population databases (gnomAD no frequency). This variant has not been reported in the literature in individuals affected with VCAN-related conditions. ClinVar contains an entry for this variant (Variation ID: 1414906). An algorithm developed to predict the effect of missense changes on protein structure and function (PolyPhen-2) suggests that this variant is likely to be tolerated. In summary, the available evidence is currently insufficient to determine the role of this variant in disease. Therefore, it has been classified as a Variant of Uncertain Significance.